The following is an entry in ClinVar:

ClinVar aggregate classification (germline): Uncertain significance (1 of 4 stars; one submission).

Conditions:
Hereditary cancer-predisposing syndrome. Also called: Neoplastic Syndromes, Hereditary; Tumor predisposition; Hereditary neoplastic syndrome; Hereditary Cancer Syndrome. Identifiers: Orphanet 140162, MedGen C0027672, MeSH D009386, MONDO:0015356.

gnomAD v4.1: 1 of 1,614,038 alleles (0.000062%); highest among the groups gnomAD compares: Non-Finnish European, 0.000085%; no homozygotes.

Submission:

Ambry Genetics
Classification: Uncertain significance for Hereditary cancer-predisposing syndrome. Last evaluated: 2026-07-01. Review status: criteria provided, single submitter. Criteria: Ambry Variant Classification Scheme 2023. Collection method: clinical testing. Allele origin: germline.
Comment: The p.Q44R variant (also known as c.131A>G), located in coding exon 1 of the FLCN gene, results from an A to G substitution at nucleotide position 131. The glutamine at codon 44 is replaced by arginine, an amino acid with highly similar properties. This amino acid position is conserved. In addition, this alteration is predicted to be tolerated by in silico analysis. Based on the available evidence, the clinical significance of this variant remains unclear.

NM_144997.7(FLCN):c.131A>G (p.Gln44Arg)

Gene: FLCN (folliculin; minus strand). Cytogenetic location: 17p11.2.
Variant type: single nucleotide variant.
Coding change: c.131A>G on transcript NM_144997.7 (MANE Select); coding-DNA position 131, A replaced by G.
Protein change: p.Gln44Arg; replaces glutamine 44 with arginine.
Molecular consequence: missense variant.
Genome position (GRCh38, 1-based): chr17:17,228,007, T>C on the plus strand (A>G on the coding strand, the complement: FLCN is on the minus strand). VCF-style: chr17-17228007-T-C. GRCh37 (hg19) VCF-style: chr17-17131321-T-C.
Other names: c.131A>G, p.Gln44Arg (NM_001353229.2, NM_001353230.2, NM_001353231.2 and 1 more transcripts); short protein forms Q44R.
Identifiers: ClinVar variation 5021823 (VCV005021823.1).
Genomic context (GRCh38, chr17:17,228,007, plus strand): 5'-GCGGGGCTGTGCGCACGCATCCGACTGTTCATCTGAATGCCACCTTCCTCTTCTTCCGCC[T>C]GCTCACCCTGGCCAGGACTGTCCTCATTCCCATCCCCTTGAGGAAGTGGGGCGTGCAGCA-3'
Protein context (NP_659434.2, residues 34-54): GNEDSPGQGE[Gln44Arg]AEEEEGGIQM